The following is an entry in ClinVar:

ClinVar aggregate classification (germline): Uncertain significance (1 of 4 stars; one submission).

Conditions:
Inborn genetic diseases. Identifiers: MedGen C0950123, MeSH D030342.

Submission:

Ambry Genetics
Classification: Uncertain significance for Inborn genetic diseases. Last evaluated: 2025-08-29. Review status: criteria provided, single submitter. Criteria: Ambry Variant Classification Scheme 2023. Collection method: clinical testing. Allele origin: germline.
Comment: The p.A255S variant (also known as c.763G>T), located in coding exon 2 of the GATA2 gene, results from a G to T substitution at nucleotide position 763. The alanine at codon 255 is replaced by serine, an amino acid with similar properties. This amino acid position is conserved. In addition, the in silico prediction for this alteration is inconclusive. Based on the available evidence, the clinical significance of this variant remains unclear.

NM_032638.5(GATA2):c.763G>T (p.Ala255Ser)

Gene: GATA2 (GATA binding protein 2; minus strand). Cytogenetic location: 3q21.3.
Variant type: single nucleotide variant.
Coding change: c.763G>T on transcript NM_032638.5 (MANE Select); coding-DNA position 763, G replaced by T.
Protein change: p.Ala255Ser; replaces alanine 255 with serine.
Molecular consequence: missense variant.
Genome position (GRCh38, 1-based): chr3:128,485,835, C>A on the plus strand (G>T on the coding strand, the complement: GATA2 is on the minus strand). VCF-style: chr3-128485835-C-A. GRCh37 (hg19) VCF-style: chr3-128204678-C-A.
Other names: c.763G>T, p.Ala255Ser (NM_001145661.2, NM_001145662.1); short protein forms A255S.
Identifiers: ClinVar variation 4028523 (VCV004028523.2).